The following is an entry in ClinVar:

ClinVar aggregate classification (germline): Uncertain significance (1 of 4 stars; one submission).

Allele frequency attached by ClinVar (database versions not stated): gnomAD exomes below 0.00001.
gnomAD v4.1: 1 of 1,613,432 alleles (0.000062%); highest among the groups gnomAD compares: Non-Finnish European, 0.000085%; no homozygotes.

Submission:

GeneDx
Classification: Uncertain significance. Last evaluated: 2019-01-28. Review status: criteria provided, single submitter. Criteria: GeneDx Variant Classification Process June 2021. Collection method: clinical testing. Allele origin: germline. Affected: yes.
Comment: Not observed in large population cohorts (Lek et al., 2016); In silico analysis, which includes protein predictors and evolutionary conservation, supports that this variant does not alter protein structure/function; Has not been previously published as pathogenic or benign to our knowledge

NM_006514.4(SCN10A):c.4687C>G (p.Leu1563Val)

Gene: SCN10A (sodium voltage-gated channel alpha subunit 10; minus strand). Cytogenetic location: 3p22.2.
Variant type: single nucleotide variant.
Coding change: c.4687C>G on transcript NM_006514.4 (MANE Select); coding-DNA position 4687, C replaced by G.
Protein change: p.Leu1563Val; replaces leucine 1563 with valine.
Molecular consequence: missense variant.
Genome position (GRCh38, 1-based): chr3:38,698,533, G>C on the plus strand (C>G on the coding strand, the complement: SCN10A is on the minus strand). VCF-style: chr3-38698533-G-C. GRCh37 (hg19) VCF-style: chr3-38740024-G-C.
Other names: c.4684C>G, p.Leu1562Val (NM_001293306.2); c.4393C>G, p.Leu1465Val (NM_001293307.2); short protein forms L1465V, L1562V, L1563V.
Identifiers: ClinVar variation 1308579 (VCV001308579.2), dbSNP rs2125980570, ClinGen allele CA352155939.